The following is an entry in ClinVar:

NM_006231.4(POLE):c.25C>T (p.Arg9Trp)

Genes: POLE (DNA polymerase epsilon, catalytic subunit; minus strand), LOC130009266 (ATAC-STARR-seq lymphoblastoid silent region 5123; plus strand). Cytogenetic location: 12q24.33.
Variant type: single nucleotide variant.
Coding change: c.25C>T on transcript NM_006231.4 (MANE Select); coding-DNA position 25, C replaced by T.
Protein change: p.Arg9Trp; replaces arginine 9 with tryptophan.
Molecular consequence: missense variant.
Genome position (GRCh38, 1-based): chr12:132,687,291, G>A on the plus strand (C>T on the coding strand, the complement: POLE is on the minus strand). VCF-style: chr12-132687291-G-A. GRCh37 (hg19) VCF-style: chr12-133263877-G-A.
Other names: short protein forms R9W.
Identifiers: ClinVar variation 473541 (VCV000473541.13), dbSNP rs1480510431, ClinGen allele CA387373466.

ClinVar aggregate classification (germline): Uncertain significance. Review status: criteria provided, multiple submitters, no conflicts (2 of 4 stars). 2 submissions from 2 submitters: Uncertain significance (2). Last evaluated 2025-06-18.

Conditions:
Hereditary cancer-predisposing syndrome. Also called: Neoplastic Syndromes, Hereditary; Tumor predisposition; Hereditary Cancer Syndrome; Hereditary neoplastic syndrome. Identifiers: Orphanet 140162, MedGen C0027672, MeSH D009386, MONDO:0015356.

Allele frequency attached by ClinVar (database versions not stated): gnomAD exomes below 0.00001.
gnomAD v4.1: 2 of 1,501,246 alleles (0.00013%); highest among the groups gnomAD compares: Non-Finnish European, 0.00018%; no homozygotes.

Submissions (2):

Labcorp Genetics (formerly Invitae), Labcorp
Classification: Uncertain significance. Last evaluated: 2025-06-18. Review status: criteria provided, single submitter. Criteria: Invitae Variant Classification Sherloc (09022015). Collection method: clinical testing. Allele origin: germline.
Comment: This sequence change replaces arginine, which is basic and polar, with tryptophan, which is neutral and slightly polar, at codon 9 of the POLE protein (p.Arg9Trp). The frequency data for this variant in the population databases is considered unreliable, as metrics indicate poor data quality at this position in the gnomAD database. This variant has not been reported in the literature in individuals affected with POLE-related conditions. ClinVar contains an entry for this variant (Variation ID: 473541). An algorithm developed to predict the effect of missense changes on protein structure and function outputs the following: PolyPhen-2: "Not Available". The tryptophan amino acid residue is found in multiple mammalian species, which suggests that this missense change does not adversely affect protein function. In summary, the available evidence is currently insufficient to determine the role of this variant in disease. Therefore, it has been classified as a Variant of Uncertain Significance.

Ambry Genetics
Classification: Uncertain significance for Hereditary cancer-predisposing syndrome. Last evaluated: 2021-08-05. Review status: criteria provided, single submitter. Criteria: Ambry Variant Classification Scheme 2023. Collection method: clinical testing. Allele origin: germline.
Comment: The p.R9W variant (also known as c.25C>T), located in coding exon 1 of the POLE gene, results from a C to T substitution at nucleotide position 25. The arginine at codon 9 is replaced by tryptophan, an amino acid with dissimilar properties. This amino acid position is conserved. In addition, this alteration is predicted to be tolerated by in silico analysis. Since supporting evidence is limited at this time, the clinical significance of this alteration remains unclear.